The following is an entry in ClinVar:

ClinVar aggregate classification (germline): Likely pathogenic (1 of 4 stars; one submission).

Conditions:
Autosomal recessive limb-girdle muscular dystrophy type 2J (LGMDR10). Also called: Limb-girdle muscular dystrophy, type 2J; MUSCULAR DYSTROPHY, LIMB-GIRDLE, AUTOSOMAL RECESSIVE 10. Identifiers: Orphanet 140922, MedGen C1837342, MONDO:0012127, OMIM 608807.
Dilated cardiomyopathy 1G (CMD1G). Identifiers: Orphanet 154, MedGen C1858763, MONDO:0011400, OMIM 604145.

Submission:

Labcorp Genetics (formerly Invitae), Labcorp
Classification: Likely pathogenic for Dilated cardiomyopathy 1G; Autosomal recessive limb-girdle muscular dystrophy type 2J. Last evaluated: 2025-08-09. Review status: criteria provided, single submitter. Criteria: Invitae Variant Classification Sherloc (09022015). Collection method: clinical testing. Allele origin: germline.
Comment: This sequence change creates a premature translational stop signal (p.Phe28778Serfs*33) in the TTN gene. While this is not anticipated to result in nonsense mediated decay, it is expected to create a truncated TTN protein. This variant is not present in population databases (gnomAD no frequency). This variant has not been reported in the literature in individuals affected with TTN-related conditions. ClinVar contains an entry for this variant (Variation ID: 2091684). This variant is located in the A band of TTN (PMID: 25589632). Truncating variants in this region are significantly overrepresented in patients affected with dilated cardiomyopathy (PMID: 25589632). Truncating variants in this region have also been reported in individuals affected with autosomal recessive centronuclear myopathy (PMID: 23975875). In summary, the currently available evidence indicates that the variant is pathogenic, but additional data are needed to prove that conclusively. Therefore, this variant has been classified as Likely Pathogenic.

Literature cited by the submitters: PubMed 25589632; PubMed 23975875.

NM_001267550.2(TTN):c.86333del (p.Phe28778fs)

Genes: TTN-AS1 (TTN antisense RNA 1; plus strand), TTN (titin; minus strand). Cytogenetic location: 2q31.2.
Variant type: Deletion.
Coding change: c.86333del on transcript NM_001267550.2 (MANE Select); coding-DNA position 86333, one base deleted (T; older notation c.86333delT).
Protein change: p.Phe28778fs; shifts the reading frame from phenylalanine 28778.
Molecular consequence: frameshift variant.
Genome position (GRCh38, 1-based): chr2:178,559,799, A deleted on the plus strand (T on the coding strand, the reverse complement: TTN is on the minus strand); the first of 3 consecutive A bases (chr2:178,559,799-178,559,801); deleting any one gives the same sequence. VCF-style (leftmost placement, unchanged base first): chr2-178559798-GA-G. GRCh37 (hg19) VCF-style: chr2-179424525-GA-G.
Other names: c.81410del, p.Phe27137fs (NM_001256850.1); c.59138del, p.Phe19713fs (NM_003319.4); c.78629del, p.Phe26210fs (NM_133378.4); c.59513del, p.Phe19838fs (NM_133432.3); c.59714del, p.Phe19905fs (NM_133437.4); short protein forms F19838fs, F26210fs, F19713fs, F27137fs, F28778fs, F19905fs.
Identifiers: ClinVar variation 2091684 (VCV002091684.4), dbSNP rs2469634270, ClinGen allele CA2580064846.